The following is an entry in ClinVar:

ClinVar aggregate classification (germline): Uncertain significance. Review status: criteria provided, multiple submitters, no conflicts (2 of 4 stars). 3 submissions from 3 submitters: Uncertain significance (3). Last evaluated 2025-07-05.

Conditions:
Hereditary cancer-predisposing syndrome. Also called: Hereditary neoplastic syndrome; Neoplastic Syndromes, Hereditary; Hereditary Cancer Syndrome; Tumor predisposition. Identifiers: Orphanet 140162, MedGen C0027672, MeSH D009386, MONDO:0015356.
Ataxia-telangiectasia syndrome (AT). Also called: Ataxia telangiectasia (A-T); ATAXIA-TELANGIECTASIA, COMPLEMENTATION GROUP A; ATAXIA-TELANGIECTASIA, FRESNO VARIANT; Ataxia-telangiectasia, complementation group D; AT, COMPLEMENTATION GROUP C; Ataxia-telangiectasia, complementation group E. Identifiers: Orphanet 100, MedGen C0004135, MONDO:0008840, OMIM 208900.

Submissions (3):

Ambry Genetics
Classification: Uncertain significance for Hereditary cancer-predisposing syndrome. Last evaluated: 2025-07-05. Review status: criteria provided, single submitter. Criteria: Ambry Variant Classification Scheme 2023. Collection method: clinical testing. Allele origin: germline.
Comment: The p.D840H variant (also known as c.2518G>C), located in coding exon 16 of the ATM gene, results from a G to C substitution at nucleotide position 2518. The aspartic acid at codon 840 is replaced by histidine, an amino acid with similar properties. This amino acid position is poorly conserved in available vertebrate species. In addition, this alteration is predicted to be tolerated by in silico analysis. Since supporting evidence is limited at this time, the clinical significance of this alteration remains unclear.

Labcorp Genetics (formerly Invitae), Labcorp
Classification: Uncertain significance for Ataxia-telangiectasia syndrome. Last evaluated: 2024-04-16. Review status: criteria provided, single submitter. Criteria: Invitae Variant Classification Sherloc (09022015). Collection method: clinical testing. Allele origin: germline.
Comment: This sequence change replaces aspartic acid, which is acidic and polar, with histidine, which is basic and polar, at codon 840 of the ATM protein (p.Asp840His). This variant is not present in population databases (gnomAD no frequency). This variant has not been reported in the literature in individuals affected with ATM-related conditions. ClinVar contains an entry for this variant (Variation ID: 1171778). An algorithm developed to predict the effect of missense changes on protein structure and function (PolyPhen-2) suggests that this variant is likely to be tolerated. In summary, the available evidence is currently insufficient to determine the role of this variant in disease. Therefore, it has been classified as a Variant of Uncertain Significance.

Color Diagnostics, LLC DBA Color Health
Classification: Uncertain significance for Hereditary cancer-predisposing syndrome. Last evaluated: 2020-07-14. Review status: criteria provided, single submitter. Criteria: ACMG Guidelines, 2015. Collection method: clinical testing. Allele origin: germline.
Comment: This missense variant replaces aspartic acid with histidine at codon 840 of the ATM protein. Computational prediction suggests that this variant may not impact protein structure and function (internally defined REVEL score threshold <= 0.5, PMID: 27666373). To our knowledge, functional studies have not been reported for this variant. This variant has not been reported in individuals affected with hereditary cancer in the literature. This variant has not been identified in the general population by the Genome Aggregation Database (gnomAD). The available evidence is insufficient to determine the role of this variant in disease conclusively. Therefore, this variant is classified as a Variant of Uncertain Significance.

NM_000051.4(ATM):c.2518G>C (p.Asp840His)

Gene: ATM (ATM serine/threonine kinase; plus strand). Cytogenetic location: 11q22.3.
Variant type: single nucleotide variant.
Coding change: c.2518G>C on transcript NM_000051.4 (MANE Select); coding-DNA position 2518, G replaced by C.
Protein change: p.Asp840His; replaces aspartic acid 840 with histidine.
Molecular consequence: missense variant.
Genome position (GRCh38, 1-based): chr11:108,267,222, G>C. VCF-style: chr11-108267222-G-C. GRCh37 (hg19) VCF-style: chr11-108137949-G-C.
Other names: c.2518G>C, p.Asp840His (NM_001351834.2); short protein forms D840H.
Identifiers: ClinVar variation 1171778 (VCV001171778.7), dbSNP rs879189597, ClinGen allele CA382543453.